The following is an entry in ClinVar:

NM_152443.3(RDH12):c.503C>T (p.Ala168Val)

Genes: RDH12 (retinol dehydrogenase 12; plus strand), GPHN (gephyrin; plus strand). Cytogenetic location: 14q24.1.
Variant type: single nucleotide variant.
Coding change: c.503C>T on transcript NM_152443.3 (MANE Select); coding-DNA position 503, C replaced by T.
Protein change: p.Ala168Val; replaces alanine 168 with valine.
Molecular consequence: missense variant.
Genome position (GRCh38, 1-based): chr14:67,727,035, C>T. VCF-style: chr14-67727035-C-T. GRCh37 (hg19) VCF-style: chr14-68193752-C-T.
Other names: short protein forms A168V.
Identifiers: ClinVar variation 4743953 (VCV004743953.1).

ClinVar aggregate classification (germline): Uncertain significance (1 of 4 stars; one submission).

Conditions:
Leber congenital amaurosis 13 (LCA13). Identifiers: MedGen C2675186, MONDO:0012990, OMIM 612712.

Submission:

Labcorp Genetics (formerly Invitae), Labcorp
Classification: Uncertain significance for Leber congenital amaurosis 13. Last evaluated: 2025-09-24. Review status: criteria provided, single submitter. Criteria: Invitae Variant Classification Sherloc (09022015). Collection method: clinical testing. Allele origin: germline.
Comment: This sequence change replaces alanine, which is neutral and non-polar, with valine, which is neutral and non-polar, at codon 168 of the RDH12 protein (p.Ala168Val). This variant is not present in population databases (gnomAD no frequency). This missense change has been observed in individual(s) with RDH12-related conditions (PMID: 36460718). Invitae Evidence Modeling of protein sequence and biophysical properties (such as structural, functional, and spatial information, amino acid conservation, physicochemical variation, residue mobility, and thermodynamic stability) indicates that this missense variant is not expected to disrupt RDH12 protein function with a negative predictive value of 80%. In summary, the available evidence is currently insufficient to determine the role of this variant in disease. Therefore, it has been classified as a Variant of Uncertain Significance.

Literature cited by the submitters: PubMed 36460718.